The following is an entry in ClinVar:

NM_021072.4(HCN1):c.1319A>G (p.Gln440Arg)

Gene: HCN1 (hyperpolarization activated cyclic nucleotide gated potassium channel 1; minus strand). Cytogenetic location: 5p12.
Variant type: single nucleotide variant.
Coding change: c.1319A>G on transcript NM_021072.4 (MANE Select); coding-DNA position 1319, A replaced by G.
Protein change: p.Gln440Arg; replaces glutamine 440 with arginine.
Molecular consequence: missense variant.
Genome position (GRCh38, 1-based): chr5:45,353,158, T>C on the plus strand (A>G on the coding strand, the complement: HCN1 is on the minus strand). VCF-style: chr5-45353158-T-C. GRCh37 (hg19) VCF-style: chr5-45353260-T-C.
Other names: short protein forms Q440R.
Identifiers: ClinVar variation 3383767 (VCV003383767.1).
Genomic context (GRCh38, chr5:45,353,158, plus strand): 5'-ACCTCTCTCAGAGGATCATTGAGTTCATTGAGAATATTTTCCTCATCAAAGATTTTGCCT[T>C]GGTATCTGTGTTCATAGTAATCATGTATCTTCTGACGCATATCAGCTGGTAACTTATGGA-3'
Protein context (NP_066550.2, residues 430-450): KIHDYYEHRY[Gln440Arg]GKIFDEENIL

ClinVar aggregate classification (germline): Uncertain significance (1 of 4 stars; one submission).

Submission:

GeneDx
Classification: Uncertain significance. Last evaluated: 2024-05-30. Review status: criteria provided, single submitter. Criteria: GeneDx Variant Classification Process June 2021. Collection method: clinical testing. Allele origin: germline. Affected: yes.
Comment: Not observed at significant frequency in large population cohorts (gnomAD); In silico analysis supports that this missense variant has a deleterious effect on protein structure/function; Has not been previously published as pathogenic or benign to our knowledge